The following is an entry in ClinVar:

ClinVar aggregate classification (germline): Pathogenic (1 of 4 stars; one submission).

Conditions:
Peroxisome biogenesis disorder. Identifiers: Orphanet 79189, MedGen C1832200, MONDO:0019234. Disease mechanism: loss of function.

Submission:

Labcorp Genetics (formerly Invitae), Labcorp
Classification: Pathogenic for Peroxisome biogenesis disorder. Last evaluated: 2022-03-08. Review status: criteria provided, single submitter. Criteria: Invitae Variant Classification Sherloc (09022015). Collection method: clinical testing. Allele origin: germline.
Comment: This sequence change creates a premature translational stop signal (p.Ser231*) in the PEX6 gene. It is expected to result in an absent or disrupted protein product. Loss-of-function variants in PEX6 are known to be pathogenic (PMID: 8670792, 19877282, 21031596). This variant is not present in population databases (gnomAD no frequency). This variant has not been reported in the literature in individuals affected with PEX6-related conditions. For these reasons, this variant has been classified as Pathogenic.

Literature cited by the submitters: PubMed 8670792; PubMed 19877282; PubMed 21031596.

NM_000287.4(PEX6):c.692C>G (p.Ser231Ter)

Gene: PEX6 (peroxisomal biogenesis factor 6; minus strand). Cytogenetic location: 6p21.1.
Variant type: single nucleotide variant.
Coding change: c.692C>G on transcript NM_000287.4 (MANE Select); coding-DNA position 692, C replaced by G.
Protein change: p.Ser231Ter; replaces serine 231 with a stop codon.
Molecular consequence: nonsense. On other transcripts: non-coding transcript variant (1), intron variant (1).
Genome position (GRCh38, 1-based): chr6:42,978,459, G>C on the plus strand (C>G on the coding strand, the complement: PEX6 is on the minus strand). VCF-style: chr6-42978459-G-C. GRCh37 (hg19) VCF-style: chr6-42946197-G-C.
Other names: c.618+74C>G (NM_001316313.2); short protein forms S231*.
Identifiers: ClinVar variation 2107564 (VCV002107564.4), dbSNP rs2481277081, ClinGen allele CA364162707.